The following is an entry in ClinVar:

NM_000843.4(GRM6):c.727G>T (p.Val243Phe)

Gene: GRM6 (glutamate metabotropic receptor 6; minus strand). Cytogenetic location: 5q35.3.
Variant type: single nucleotide variant.
Coding change: c.727G>T on transcript NM_000843.4 (MANE Select); coding-DNA position 727, G replaced by T.
Protein change: p.Val243Phe; replaces valine 243 with phenylalanine.
Molecular consequence: missense variant.
Genome position (GRCh38, 1-based): chr5:178,991,554, C>A on the plus strand (G>T on the coding strand, the complement: GRM6 is on the minus strand). VCF-style: chr5-178991554-C-A. GRCh37 (hg19) VCF-style: chr5-178418555-C-A.
Other names: short protein forms V243F.
Identifiers: ClinVar variation 99657 (VCV000099657.41), dbSNP rs17078894, ClinGen allele CA227693.

ClinVar aggregate classification (germline): Benign/Likely benign. Review status: criteria provided, multiple submitters, no conflicts (2 of 4 stars). 8 submissions from 8 submitters: Benign (3); Likely benign (3). 2 of the submissions do not count toward it. Last evaluated 2026-01-26.

Conditions:
GRM6-related disorder. Also called: GRM6-related condition.
Congenital stationary night blindness 1B. Also called: NIGHT BLINDNESS, CONGENITAL STATIONARY, COMPLETE, AUTOSOMAL RECESSIVE; Night blindness, congenital stationary (complete), 1B, autosomal recessive. Identifiers: Orphanet 215, MedGen C1850362, MONDO:0009758, OMIM 257270.

Allele frequency attached by ClinVar (database versions not stated): ESP Exome Variant Server 0.00192; TOPMed 0.00280; 1000 Genomes Project 30x 0.00312; 1000 Genomes Project 0.00319.
gnomAD v4.1: 5,974 of 1,612,786 alleles (0.37%); highest among the groups gnomAD compares: Middle Eastern, 1.4%; 47 homozygotes.

Submissions (8):

Labcorp Genetics (formerly Invitae), Labcorp
Classification: Benign. Last evaluated: 2026-01-26. Review status: criteria provided, single submitter. Criteria: Invitae Variant Classification Sherloc (09022015). Collection method: clinical testing. Allele origin: germline.

CeGaT Center for Human Genetics Tuebingen
Classification: Benign. Last evaluated: 2024-07-01. Review status: criteria provided, single submitter. Criteria: CeGaT Center For Human Genetics Tuebingen Variant Classification Criteria Version 2. Collection method: clinical testing. Allele origin: germline. Affected: yes. Observed: 2 variant alleles.
Comment: GRM6: BS1, BS2

Fulgent Genetics
Classification: Likely benign for Congenital stationary night blindness 1B. Last evaluated: 2022-04-27. Review status: criteria provided, single submitter. Criteria: ACMG Guidelines, 2015. Collection method: clinical testing. Allele origin: unknown.

Eurofins Ntd Llc (ga)
Classification: Benign. Last evaluated: 2016-01-25. Review status: criteria provided, single submitter. Criteria: EGL Classification Definitions 2015. Collection method: clinical testing. Allele origin: germline. Observed: 1 variant allele, 1 heterozygote.

GeneDx
Classification: Likely benign. Last evaluated: 2015-05-26. Review status: criteria provided, single submitter. Criteria: GeneDx Variant Classification (06012015). Collection method: clinical testing. Allele origin: germline. Affected: yes.
Comment: This variant is considered likely benign or benign based on one or more of the following criteria: it is a conservative change, it occurs at a poorly conserved position in the protein, it is predicted to be benign by multiple in silico algorithms, and/or has population frequency not consistent with disease.

Breakthrough Genomics
Classification: Likely benign. Review status: criteria provided, single submitter. Criteria: ACMG Guidelines, 2015. Collection method: not provided. Allele origin: germline. Inheritance: Autosomal recessive inheritance. Affected: yes.

PreventionGenetics, part of Exact Sciences
Classification: Benign for GRM6-related condition. Last evaluated: 2019-05-09. Review status: no assertion criteria provided. Collection method: clinical testing. Allele origin: germline. Not counted in ClinVar's aggregate classification.
Comment: This variant is classified as benign based on ACMG/AMP sequence variant interpretation guidelines (Richards et al. 2015 PMID: 25741868, with internal and published modifications).

Retina International
No classification provided. Review status: no classification provided. Collection method: not provided. Allele origin: not provided. Not counted in ClinVar's aggregate classification.

Literature cited by the submitters: PubMed 15781871 (cited by Eurofins Ntd Llc (ga)); PubMed 19578023 (cited by Eurofins Ntd Llc (ga)); PubMed 26667666 (cited by Eurofins Ntd Llc (ga)).